The following is an entry in ClinVar:

ClinVar aggregate classification (germline): Uncertain significance. Review status: criteria provided, multiple submitters, no conflicts (2 of 4 stars). 4 submissions from 4 submitters: Uncertain significance (4). Last evaluated 2025-12-30.

Conditions:
SAG-related disorder. Also called: SAG-related disorders; SAG-related condition.
Inborn genetic diseases. Identifiers: MedGen C0950123, MeSH D030342.

Allele frequency attached by ClinVar (database versions not stated): ExAC 0.00002; gnomAD 0.00004 and 0.00005; gnomAD exomes 0.00004; TOPMed 0.00005; ESP Exome Variant Server 0.00008.
gnomAD v4.1: 68 of 1,612,866 alleles (0.0042%); highest among the groups gnomAD compares: African/African-American, 0.008%; no homozygotes.

Submissions (4):

Labcorp Genetics (formerly Invitae), Labcorp
Classification: Uncertain significance. Last evaluated: 2025-12-30. Review status: criteria provided, single submitter. Criteria: Invitae Variant Classification Sherloc (09022015). Collection method: clinical testing. Allele origin: germline.
Comment: This sequence change replaces arginine, which is basic and polar, with tryptophan, which is neutral and slightly polar, at codon 22 of the SAG protein (p.Arg22Trp). This variant is present in population databases (rs367731825, gnomAD 0.01%). This variant has not been reported in the literature in individuals affected with SAG-related conditions. ClinVar contains an entry for this variant (Variation ID: 1015446). Invitae Evidence Modeling of protein sequence and biophysical properties (such as structural, functional, and spatial information, amino acid conservation, physicochemical variation, residue mobility, and thermodynamic stability) indicates that this missense variant is not expected to disrupt SAG protein function with a negative predictive value of 80%. In summary, the available evidence is currently insufficient to determine the role of this variant in disease. Therefore, it has been classified as a Variant of Uncertain Significance.

Ambry Genetics
Classification: Uncertain significance for Inborn genetic diseases. Last evaluated: 2025-06-03. Review status: criteria provided, single submitter. Criteria: Ambry Variant Classification Scheme 2023. Collection method: clinical testing. Allele origin: germline.

PreventionGenetics, part of Exact Sciences
Classification: Uncertain significance for SAG-related condition. Last evaluated: 2025-02-26. Review status: criteria provided, single submitter. Criteria: ACMG Guidelines, 2015. Collection method: clinical testing. Allele origin: germline.
Comment: The SAG c.64C>T variant is predicted to result in the amino acid substitution p.Arg22Trp. To our knowledge, this variant has not been reported in the literature. This variant is present in 0.013% of alleles in individuals of African descent in gnomAD. At this time, the clinical significance of this variant is uncertain due to the absence of conclusive functional and genetic evidence.

Blueprint Genetics
Classification: Uncertain significance. Last evaluated: 2024-06-10. Review status: criteria provided, single submitter. Criteria: ACMG Guidelines, 2015. Collection method: clinical testing. Allele origin: germline.

NM_000541.5(SAG):c.64C>T (p.Arg22Trp)

Gene: SAG (S-antigen visual arrestin; plus strand). Cytogenetic location: 2q37.1.
Variant type: single nucleotide variant.
Coding change: c.64C>T on transcript NM_000541.5 (MANE Select); coding-DNA position 64, C replaced by T.
Protein change: p.Arg22Trp; replaces arginine 22 with tryptophan.
Molecular consequence: missense variant.
Genome position (GRCh38, 1-based): chr2:233,309,253, C>T. VCF-style: chr2-233309253-C-T. GRCh37 (hg19) VCF-style: chr2-234217899-C-T.
Other names: c.64C>T (NM_000541.4); short protein forms R22W.
Identifiers: ClinVar variation 1015446 (VCV001015446.9), dbSNP rs367731825, ClinGen allele CA2174183.